The following is an entry in ClinVar:

NM_005886.3(KATNB1):c.633-3C>T

Gene: KATNB1 (katanin regulatory subunit B1; plus strand). Cytogenetic location: 16q21.
Variant type: single nucleotide variant.
Coding change: c.633-3C>T on transcript NM_005886.3 (MANE Select); 3 bases into the intron before coding-DNA position 633, C replaced by T.
Molecular consequence: intron variant.
Genome position (GRCh38, 1-based): chr16:57,752,527, C>T. VCF-style: chr16-57752527-C-T. GRCh37 (hg19) VCF-style: chr16-57786439-C-T.
Identifiers: ClinVar variation 2184661 (VCV002184661.4), dbSNP rs782511179, ClinGen allele CA8080838.

ClinVar aggregate classification (germline): Uncertain significance (1 of 4 stars; one submission).

Allele frequency attached by ClinVar (database versions not stated): gnomAD exomes below 0.00001; TOPMed below 0.00001; gnomAD 0.00001.
gnomAD v4.1: 8 of 1,562,136 alleles (0.00051%); highest among the groups gnomAD compares: Non-Finnish European, 0.00069%; no homozygotes.

Submission:

Labcorp Genetics (formerly Invitae), Labcorp
Classification: Uncertain significance. Last evaluated: 2025-10-22. Review status: criteria provided, single submitter. Criteria: Invitae Variant Classification Sherloc (09022015). Collection method: clinical testing. Allele origin: germline.
Comment: This sequence change falls in intron 8 of the KATNB1 gene. It does not directly change the encoded amino acid sequence of the KATNB1 protein. It affects a nucleotide within the consensus splice site. This variant is present in population databases (rs782511179, gnomAD 0.001%). This variant has not been reported in the literature in individuals affected with KATNB1-related conditions. ClinVar contains an entry for this variant (Variation ID: 2184661). Variants that disrupt the consensus splice site are a relatively common cause of aberrant splicing (PMID: 17576681, 9536098). Algorithms developed to predict the effect of sequence changes on RNA splicing suggest that this variant is not likely to affect RNA splicing. In summary, the available evidence is currently insufficient to determine the role of this variant in disease. Therefore, it has been classified as a Variant of Uncertain Significance.

Literature cited by the submitters: PubMed 17576681; PubMed 9536098.